The following is an entry in ClinVar:

ClinVar aggregate classification (germline): Uncertain significance (1 of 4 stars; one submission).

gnomAD v4.1: 39 of 1,574,724 alleles (0.0025%); highest among the groups gnomAD compares: Non-Finnish European, 0.0034%; no homozygotes.

Submission:

GeneDx
Classification: Uncertain significance. Last evaluated: 2025-06-04. Review status: criteria provided, single submitter. Criteria: GeneDx Variant Classification Process June 2021. Collection method: clinical testing. Allele origin: germline. Affected: yes.
Comment: Not observed at significant frequency in large population cohorts (gnomAD); In silico analysis suggests that this missense variant does not alter protein structure/function; Has not been previously published as pathogenic or benign to our knowledge

NM_176787.5(PIGN):c.473G>A (p.Ser158Asn)

Gene: PIGN (phosphatidylinositol glycan anchor biosynthesis class N; minus strand). Cytogenetic location: 18q21.33.
Variant type: single nucleotide variant.
Coding change: c.473G>A on transcript NM_176787.5 (MANE Select); coding-DNA position 473, G replaced by A.
Protein change: p.Ser158Asn; replaces serine 158 with asparagine.
Molecular consequence: missense variant.
Genome position (GRCh38, 1-based): chr18:62,154,621, C>T on the plus strand (G>A on the coding strand, the complement: PIGN is on the minus strand). VCF-style: chr18-62154621-C-T. GRCh37 (hg19) VCF-style: chr18-59821854-C-T.
Other names: c.473G>A, p.Ser158Asn (NM_001438896.1, NM_001438904.1, NM_001438905.1 and 2 more transcripts); short protein forms S158N.
Identifiers: ClinVar variation 4536361 (VCV004536361.1).
Genomic context (GRCh38, chr18:62,154,621, plus strand): 5'-ACCCACGTATCCAGTTTTGTTGCATCTTGAGCACCAAAATCCTCTCTTTTAGCATCATAA[C>T]TATATGTATAAACGTGGTCTCCACTAGCACCTGAAAAGAAAATTTGGAAAAAATAATCTT-3'
Protein context (NP_789744.1, residues 148-168): GASGDHVYTY[Ser158Asn]YDAKREDFGA